The following is an entry in ClinVar:

NM_004370.6(COL12A1):c.2729A>T (p.Asp910Val)

Gene: COL12A1 (collagen type XII alpha 1 chain; minus strand). Cytogenetic location: 6q13.
Variant type: single nucleotide variant.
Coding change: c.2729A>T on transcript NM_004370.6 (MANE Select); coding-DNA position 2729, A replaced by T.
Protein change: p.Asp910Val; replaces aspartic acid 910 with valine.
Molecular consequence: missense variant. On other transcripts: intron variant (2).
Genome position (GRCh38, 1-based): chr6:75,165,761, T>A on the plus strand (A>T on the coding strand, the complement: COL12A1 is on the minus strand). VCF-style: chr6-75165761-T-A. GRCh37 (hg19) VCF-style: chr6-75875477-T-A.
Other names: c.2729A>T, p.Asp910Val (NM_001424113.1, NM_001424114.1); c.2456A>T, p.Asp819Val (NM_001424115.1); c.74-13279A>T (NM_001424116.1, NM_080645.3); short protein forms D819V, D910V.
Identifiers: ClinVar variation 2924999 (VCV002924999.3), dbSNP rs2533471317, ClinGen allele CA364758847.

ClinVar aggregate classification (germline): Uncertain significance (1 of 4 stars; one submission).

Conditions:
Ullrich congenital muscular dystrophy 2 (UCMD2). Identifiers: Orphanet 75840, MedGen C4225314, MONDO:0014654, OMIM 616470.
Bethlem myopathy 2 (BTHLM2). Identifiers: Orphanet 536516, Orphanet 610, MedGen C4225313, MONDO:0034022, OMIM 616471.

gnomAD v4.1: 1 of 1,613,778 alleles (0.000062%); highest among the groups gnomAD compares: Non-Finnish European, 0.000085%; no homozygotes.

Submission:

Labcorp Genetics (formerly Invitae), Labcorp
Classification: Uncertain significance for Bethlem myopathy 2; Ullrich congenital muscular dystrophy 2. Last evaluated: 2023-11-04. Review status: criteria provided, single submitter. Criteria: Invitae Variant Classification Sherloc (09022015). Collection method: clinical testing. Allele origin: germline.
Comment: This sequence change replaces aspartic acid, which is acidic and polar, with valine, which is neutral and non-polar, at codon 910 of the COL12A1 protein (p.Asp910Val). This variant is not present in population databases (gnomAD no frequency). This variant has not been reported in the literature in individuals affected with COL12A1-related conditions. Advanced modeling of protein sequence and biophysical properties (such as structural, functional, and spatial information, amino acid conservation, physicochemical variation, residue mobility, and thermodynamic stability) performed at Invitae indicates that this missense variant is not expected to disrupt COL12A1 protein function with a negative predictive value of 80%. In summary, the available evidence is currently insufficient to determine the role of this variant in disease. Therefore, it has been classified as a Variant of Uncertain Significance.